The following is an entry in ClinVar:

NM_022458.4(LMBR1):c.357T>C (p.Cys119=)

Gene: LMBR1 (limb development membrane protein 1; minus strand). Cytogenetic location: 7q36.3.
Variant type: single nucleotide variant.
Coding change: c.357T>C on transcript NM_022458.4 (MANE Select); coding-DNA position 357, T replaced by C.
Protein change: p.Cys119=; no amino-acid change (cysteine 119 retained).
Molecular consequence: synonymous variant. On other transcripts: 5 prime UTR variant (6), non-coding transcript variant (2).
Genome position (GRCh38, 1-based): chr7:156,796,455, A>G on the plus strand (T>C on the coding strand, the complement: LMBR1 is on the minus strand). VCF-style: chr7-156796455-A-G. GRCh37 (hg19) VCF-style: chr7-156589149-A-G.
Other names: c.357T>C, p.Cys119= (NM_001350953.2, NM_001363409.2, NM_001363410.2); c.78T>C, p.Cys26= (NM_001350954.2); c.-178T>C (NM_001350955.2, NM_001350956.2, NM_001350958.2 and 1 more transcripts); c.-13T>C (NM_001350957.2, NM_001363411.2); c.294T>C, p.Cys98= (NM_001363412.2).
Identifiers: ClinVar variation 359434 (VCV000359434.16), dbSNP rs112583005, ClinGen allele CA4588151.

ClinVar aggregate classification (germline): Benign. Review status: criteria provided, multiple submitters, no conflicts (2 of 4 stars). 4 submissions from 4 submitters: Benign (4). Last evaluated 2026-01-16.

Conditions:
Polydactyly of a triphalangeal thumb. Also called: Polydactyly, preaxial type II; POLYDACTYLY OF TRIPHALANGEAL THUMB; TRIPHALANGEAL THUMB-POLYDACTYLY SYNDROME. Identifiers: Orphanet 2439, Orphanet 2950, Orphanet 93336, MedGen C1868114, MONDO:0008270, OMIM 174500.

Allele frequency attached by ClinVar (database versions not stated): TOPMed 0.02868; gnomAD 0.03004 and 0.03082; ESP Exome Variant Server 0.03022; 1000 Genomes Project 0.03634; 1000 Genomes Project 30x 0.03654; gnomAD exomes 0.03684 and 0.04192; ExAC 0.04811.
gnomAD v4.1: 65,899 of 1,608,686 alleles (4.1%); highest among the groups gnomAD compares: South Asian, 8.1%; 1,619 homozygotes.

Submissions (4):

Labcorp Genetics (formerly Invitae), Labcorp
Classification: Benign. Last evaluated: 2026-01-16. Review status: criteria provided, single submitter. Criteria: Invitae Variant Classification Sherloc (09022015). Collection method: clinical testing. Allele origin: germline.

GeneDx
Classification: Benign. Last evaluated: 2018-07-09. Review status: criteria provided, single submitter. Criteria: GeneDx Variant Classification Process June 2021. Collection method: clinical testing. Allele origin: germline. Affected: yes.

Illumina Laboratory Services, Illumina
Classification: Benign for Polydactyly of a triphalangeal thumb. Last evaluated: 2018-01-12. Review status: criteria provided, single submitter. Criteria: ICSL Variant Classification Criteria 13 December 2019. Collection method: clinical testing. Allele origin: germline.
Comment: This variant was observed in the ICSL laboratory as part of a predisposition screen in an ostensibly healthy population. It had not been previously curated by ICSL or reported in the Human Gene Mutation Database (HGMD: prior to June 1st, 2018), and was therefore a candidate for classification through an automated scoring system. Utilizing variant allele frequency, disease prevalence and penetrance estimates, and inheritance mode, an automated score was calculated to assess if this variant is too frequent to cause the disease. Based on the score and internal cut-off values, a variant classified as benign is not then subjected to further curation. The score for this variant resulted in a classification of benign for this disease.

Breakthrough Genomics
Classification: Benign. Review status: criteria provided, single submitter. Criteria: ACMG Guidelines, 2015. Collection method: not provided. Allele origin: germline. Inheritance: Autosomal recessive inheritance. Affected: yes.